The following is an entry in ClinVar:

NM_012259.3(HEY2):c.987C>T (p.Pro329=)

Gene: HEY2 (hes related family bHLH transcription factor with YRPW motif 2; plus strand). Cytogenetic location: 6q22.31.
Variant type: single nucleotide variant.
Coding change: c.987C>T on transcript NM_012259.3 (MANE Select); coding-DNA position 987, C replaced by T.
Protein change: p.Pro329=; no amino-acid change (proline 329 retained).
Molecular consequence: synonymous variant.
Genome position (GRCh38, 1-based): chr6:125,759,775, C>T. VCF-style: chr6-125759775-C-T. GRCh37 (hg19) VCF-style: chr6-126080921-C-T.
Identifiers: ClinVar variation 3257597 (VCV003257597.17).

ClinVar aggregate classification (germline): Likely benign (1 of 4 stars; one submission).

Submission:

CeGaT Center for Human Genetics Tuebingen
Classification: Likely benign. Last evaluated: 2024-07-01. Review status: criteria provided, single submitter. Criteria: CeGaT Center For Human Genetics Tuebingen Variant Classification Criteria Version 2. Collection method: clinical testing. Allele origin: germline. Affected: yes. Observed: 1 variant allele.
Comment: HEY2: BP4, BP7